The following is an entry in ClinVar:

NM_003239.5(TGFB3):c.813G>C (p.Lys271Asn)

Gene: TGFB3 (transforming growth factor beta 3; minus strand). Cytogenetic location: 14q24.3.
Variant type: single nucleotide variant.
Coding change: c.813G>C on transcript NM_003239.5 (MANE Select); coding-DNA position 813, G replaced by C.
Protein change: p.Lys271Asn; replaces lysine 271 with asparagine.
Molecular consequence: missense variant.
Genome position (GRCh38, 1-based): chr14:75,963,429, C>G on the plus strand (G>C on the coding strand, the complement: TGFB3 is on the minus strand). VCF-style: chr14-75963429-C-G. GRCh37 (hg19) VCF-style: chr14-76429772-C-G.
Other names: c.813G>C, p.Lys271Asn (NM_001329938.2, NM_001329939.2); short protein forms K271N.
Identifiers: ClinVar variation 477645 (VCV000477645.91), dbSNP rs147601018, ClinGen allele CA7280331.

ClinVar aggregate classification (germline): Conflicting classifications of pathogenicity. Review status: criteria provided, conflicting classifications (1 of 4 stars). 6 submissions from 6 submitters: Uncertain significance (5); Likely benign (1). Last evaluated 2026-08-31.

Conditions:
Familial thoracic aortic aneurysm and aortic dissection (TAAD). Also called: Thoracic aortic aneurysms and dissections. Identifiers: Orphanet 91387, MedGen C4707243, MONDO:0019625.
Rienhoff syndrome. Also called: LOEYS-DIETZ SYNDROME 5. Identifiers: MedGen C3810012, MONDO:0014262, OMIM 615582.

Allele frequency attached by ClinVar (database versions not stated): ExAC 0.00006; TOPMed 0.00006; gnomAD exomes 0.00008; gnomAD 0.00009; ESP Exome Variant Server 0.00023.
gnomAD v4.1: 181 of 1,611,824 alleles (0.011%); highest among the groups gnomAD compares: Non-Finnish European, 0.015%; no homozygotes.

Submissions (6):

Ambry Genetics
Classification: Uncertain significance for Familial thoracic aortic aneurysm and aortic dissection. Last evaluated: 2026-08-31. Review status: criteria provided, single submitter. Criteria: Ambry Variant Classification Scheme 2023. Collection method: clinical testing. Allele origin: germline.
Comment: The c.813G>C (p.K271N) alteration is located in exon 5 (coding exon 5) of the TGFB3 gene. This alteration results from a G to C substitution at nucleotide position 813, causing the lysine (K) at amino acid position 271 to be replaced by an asparagine (N). Based on data from gnomAD, the C allele has an overall frequency of 0.007% (21/282522) total alleles studied. The highest observed frequency was 0.016% (21/129016) of European (non-Finnish) alleles. Based on insufficient or conflicting evidence, the clinical significance of this alteration remains unclear.

GeneDx
Classification: Uncertain significance. Last evaluated: 2025-11-05. Review status: criteria provided, single submitter. Criteria: GeneDx Variant Classification Process June 2021. Collection method: clinical testing. Allele origin: germline. Affected: yes.
Comment: Identified in a patient with circumflex coronary artery and in a patient with HCM in published literature (PMID: 25351510, 32897753); In silico analysis suggests that this missense variant does not alter protein structure/function; This variant is associated with the following publications: (PMID: 32897753, 25351510)

Labcorp Genetics (formerly Invitae), Labcorp
Classification: Uncertain significance for Rienhoff syndrome. Last evaluated: 2025-09-16. Review status: criteria provided, single submitter. Criteria: Invitae Variant Classification Sherloc (09022015). Collection method: clinical testing. Allele origin: germline.
Comment: This sequence change replaces lysine, which is basic and polar, with asparagine, which is neutral and polar, at codon 271 of the TGFB3 protein (p.Lys271Asn). This variant is present in population databases (rs147601018, gnomAD 0.01%). This missense change has been observed in individual(s) with TGFB3-related conditions (PMID: 32897753). ClinVar contains an entry for this variant (Variation ID: 477645). Invitae Evidence Modeling of protein sequence and biophysical properties (such as structural, functional, and spatial information, amino acid conservation, physicochemical variation, residue mobility, and thermodynamic stability) indicates that this missense variant is not expected to disrupt TGFB3 protein function with a negative predictive value of 80%. In summary, the available evidence is currently insufficient to determine the role of this variant in disease. Therefore, it has been classified as a Variant of Uncertain Significance.

Women's Health and Genetics/Laboratory Corporation of America, LabCorp
Classification: Uncertain significance. Last evaluated: 2025-06-20. Review status: criteria provided, single submitter. Criteria: LabCorp Variant Classification Summary - May 2015. Collection method: clinical testing. Allele origin: germline.
Comment: Variant summary: TGFB3 c.813G>C (p.Lys271Asn) results in a non-conservative amino acid change in the encoded protein sequence. Algorithms developed to predict the effect of missense changes on protein structure and function are either unavailable or do not agree on the potential impact of this missense change. The variant allele was found at a frequency of 8e-05 in 251456 control chromosomes. This frequency is not significantly higher than estimated for a pathogenic variant in TGFB3 causing Loeys-Dietz Syndrome, allowing no conclusion about variant significance. c.813G>C has been observed in individual(s) affected with coronary artery dissection (example: Verstraeten_2020). These report(s) do not provide unequivocal conclusions about association of the variant with Loeys-Dietz Syndrome. To our knowledge, no experimental evidence demonstrating an impact on protein function has been reported. The following publication has been ascertained in the context of this evaluation (PMID: 32897753). ClinVar contains an entry for this variant (Variation ID: 477645). Based on the evidence outlined above, the variant was classified as uncertain significance.

Blueprint Genetics
Classification: Likely benign. Last evaluated: 2024-08-16. Review status: criteria provided, single submitter. Criteria: ACMG Guidelines, 2015. Collection method: clinical testing. Allele origin: germline.

CeGaT Center for Human Genetics Tuebingen
Classification: Uncertain significance. Last evaluated: 2019-02-01. Review status: criteria provided, single submitter. Criteria: CeGaT Center For Human Genetics Tuebingen Variant Classification Criteria Version 2. Collection method: clinical testing. Allele origin: germline. Affected: yes. Observed: 2 variant alleles.

Literature cited by the submitters: PubMed 25351510 (cited by Ambry Genetics); PubMed 32897753 (cited by 3 submitters).